The following is an entry in ClinVar:

ClinVar aggregate classification (germline): Uncertain significance (1 of 4 stars; one submission).

Conditions:
Kabuki syndrome. Also called: NIIKAWA-KUROKI SYNDROME; Kabuki make-up syndrome. Identifiers: Orphanet 2322, MedGen C0796004, MONDO:0016512.

Submission:

Labcorp Genetics (formerly Invitae), Labcorp
Classification: Uncertain significance for Kabuki syndrome. Last evaluated: 2023-06-20. Review status: criteria provided, single submitter. Criteria: Invitae Variant Classification Sherloc (09022015). Collection method: clinical testing. Allele origin: germline.
Comment: This sequence change replaces proline, which is neutral and non-polar, with leucine, which is neutral and non-polar, at codon 1736 of the KMT2D protein (p.Pro1736Leu). This variant is not present in population databases (gnomAD no frequency). In summary, the available evidence is currently insufficient to determine the role of this variant in disease. Therefore, it has been classified as a Variant of Uncertain Significance. Advanced modeling of protein sequence and biophysical properties (such as structural, functional, and spatial information, amino acid conservation, physicochemical variation, residue mobility, and thermodynamic stability) has been performed at Invitae for this missense variant, however the output from this modeling did not meet the statistical confidence thresholds required to predict the impact of this variant on KMT2D protein function. This variant has not been reported in the literature in individuals affected with KMT2D-related conditions.

NM_003482.4(KMT2D):c.5207C>T (p.Pro1736Leu)

Gene: KMT2D (lysine methyltransferase 2D; minus strand). Cytogenetic location: 12q13.12.
Variant type: single nucleotide variant.
Coding change: c.5207C>T on transcript NM_003482.4 (MANE Select); coding-DNA position 5207, C replaced by T.
Protein change: p.Pro1736Leu; replaces proline 1736 with leucine.
Molecular consequence: missense variant.
Genome position (GRCh38, 1-based): chr12:49,043,980, G>A on the plus strand (C>T on the coding strand, the complement: KMT2D is on the minus strand). VCF-style: chr12-49043980-G-A. GRCh37 (hg19) VCF-style: chr12-49437763-G-A.
Other names: short protein forms P1736L.
Identifiers: ClinVar variation 2719885 (VCV002719885.3), dbSNP rs587778458, ClinGen allele CA384635464.